The following is an entry in ClinVar:

NM_001034116.2(EIF2B4):c.1431G>C (p.Gln477His)

Genes: EIF2B4 (eukaryotic translation initiation factor 2B subunit delta; minus strand), GTF3C2-AS2 (GTF3C2 antisense RNA 2; plus strand). Cytogenetic location: 2p23.3.
Variant type: single nucleotide variant.
Coding change: c.1431G>C on transcript NM_001034116.2 (MANE Select); coding-DNA position 1431, G replaced by C.
Protein change: p.Gln477His; replaces glutamine 477 with histidine.
Molecular consequence: missense variant.
Genome position (GRCh38, 1-based): chr2:27,364,541, C>G on the plus strand (G>C on the coding strand, the complement: EIF2B4 is on the minus strand). VCF-style: chr2-27364541-C-G. GRCh37 (hg19) VCF-style: chr2-27587408-C-G.
Other names: c.1494G>C, p.Gln498His (NM_001318965.2); c.1386G>C, p.Gln462His (NM_001318966.2); c.1338G>C, p.Gln446His (NM_001318967.2); c.846G>C, p.Gln282His (NM_001318968.2); c.813G>C, p.Gln271His (NM_001318969.2); c.1428G>C, p.Gln476His (NM_015636.4); c.1491G>C, p.Gln497His (NM_172195.4); c.1431G>C (NM_001034116.1); short protein forms Q271H, Q446H, Q282H, Q498H, Q462H, Q476H, Q477H, Q497H.
Identifiers: ClinVar variation 4954253 (VCV004954253.2).

ClinVar aggregate classification (germline): Uncertain significance. Review status: criteria provided, multiple submitters, no conflicts (2 of 4 stars). 2 submissions from 2 submitters: Uncertain significance (2). Last evaluated 2025-11-24.

Conditions:
EIF2B4-related disorder. Also called: EIF2B4-related condition.

gnomAD v4.1: 10 of 1,614,126 alleles (0.00062%); highest among the groups gnomAD compares: Admixed American, 0.0033%; no homozygotes.

Submissions (2):

PreventionGenetics, part of Exact Sciences
Classification: Uncertain significance for EIF2B4-related condition. Last evaluated: 2025-11-24. Review status: criteria provided, single submitter. Criteria: ACMG Guidelines, 2015. Collection method: clinical testing. Allele origin: germline.
Comment: The EIF2B4 c.1431G>C variant is predicted to result in the amino acid substitution p.Gln477His. To our knowledge, this variant has not been reported in the literature. This variant is reported in 0.0028% of alleles in individuals of Latino descent in gnomAD. At this time, the clinical significance of this variant is uncertain due to the absence of conclusive functional and genetic evidence.

Blueprint Genetics
Classification: Uncertain significance. Last evaluated: 2024-10-31. Review status: criteria provided, single submitter. Criteria: ACMG Guidelines, 2015. Collection method: clinical testing. Allele origin: germline.